The following is an entry in ClinVar:

ClinVar aggregate classification (germline): Uncertain significance. Review status: criteria provided, multiple submitters, no conflicts (2 of 4 stars). 3 submissions from 3 submitters: Uncertain significance (2). 1 of the submissions does not count toward it. Last evaluated 2025-09-01.

Conditions:
Hereditary insensitivity to pain with anhidrosis (CIPA). Also called: HSAN Type IV; FAMILIAL DYSAUTONOMIA, TYPE II; NEUROPATHY, CONGENITAL SENSORY, WITH ANHIDROSIS; hereditary sensory and autonomic neuropathy type 4; INSENSITIVITY TO PAIN, CONGENITAL, WITH ANHIDROSIS; NTRK1 Congenital Insensitivity to Pain with Anhidrosis. Identifiers: Orphanet 642, MedGen C0020074, MONDO:0009746, OMIM 256800.
Inborn genetic diseases. Identifiers: MedGen C0950123, MeSH D030342.

Allele frequency attached by ClinVar (database versions not stated): ExAC 0.00001; gnomAD 0.00002; gnomAD exomes 0.00002; TOPMed 0.00003; ESP Exome Variant Server 0.00008.
gnomAD v4.1: 73 of 1,611,214 alleles (0.0045%); highest among the groups gnomAD compares: Non-Finnish European, 0.0053%; no homozygotes.

Submissions (3):

Ambry Genetics
Classification: Uncertain significance for Inborn genetic diseases. Last evaluated: 2025-09-01. Review status: criteria provided, single submitter. Criteria: Ambry Variant Classification Scheme 2023. Collection method: clinical testing. Allele origin: germline.

Labcorp Genetics (formerly Invitae), Labcorp
Classification: Uncertain significance for Hereditary insensitivity to pain with anhidrosis. Last evaluated: 2022-07-17. Review status: criteria provided, single submitter. Criteria: Invitae Variant Classification Sherloc (09022015). Collection method: clinical testing. Allele origin: germline.
Comment: This sequence change replaces alanine, which is neutral and non-polar, with threonine, which is neutral and polar, at codon 773 of the NTRK1 protein (p.Ala773Thr). This variant is present in population databases (rs374957692, gnomAD 0.003%). This variant has not been reported in the literature in individuals affected with NTRK1-related conditions. ClinVar contains an entry for this variant (Variation ID: 661185). Advanced modeling of protein sequence and biophysical properties (such as structural, functional, and spatial information, amino acid conservation, physicochemical variation, residue mobility, and thermodynamic stability) performed at Invitae indicates that this missense variant is not expected to disrupt NTRK1 protein function. In summary, the available evidence is currently insufficient to determine the role of this variant in disease. Therefore, it has been classified as a Variant of Uncertain Significance.

Natera, Inc.
Classification: Uncertain significance for Hereditary insensitivity to pain with anhidrosis. Last evaluated: 2020-02-12. Review status: no assertion criteria provided. Collection method: clinical testing. Allele origin: germline. Not counted in ClinVar's aggregate classification.

NM_002529.4(NTRK1):c.2335G>A (p.Ala779Thr)

Gene: NTRK1 (neurotrophic receptor tyrosine kinase 1; plus strand). Cytogenetic location: 1q23.1.
Variant type: single nucleotide variant.
Coding change: c.2335G>A on transcript NM_002529.4 (MANE Select); coding-DNA position 2335, G replaced by A.
Protein change: p.Ala779Thr; replaces alanine 779 with threonine.
Molecular consequence: missense variant.
Genome position (GRCh38, 1-based): chr1:156,881,586, G>A. VCF-style: chr1-156881586-G-A. GRCh37 (hg19) VCF-style: chr1-156851378-G-A.
Other names: c.2227G>A, p.Ala743Thr (NM_001007792.1); c.2317G>A, p.Ala773Thr (NM_001012331.2); short protein forms A773T, A743T, A779T.
Identifiers: ClinVar variation 661185 (VCV000661185.7), dbSNP rs374957692, ClinGen allele CA1169635.